The following is an entry in ClinVar:

NM_001401501.2(MUC16):c.39453T>C (p.Pro13151=)

Gene: MUC16 (mucin 16, cell surface associated; minus strand). Cytogenetic location: 19p13.2.
Variant type: single nucleotide variant.
Coding change: c.39453T>C on transcript NM_001401501.2 (MANE Select); coding-DNA position 39453, T replaced by C.
Protein change: p.Pro13151=; no amino-acid change (proline 13151 retained).
Molecular consequence: synonymous variant.
Genome position (GRCh38, 1-based): chr19:8,897,609, A>G on the plus strand (T>C on the coding strand, the complement: MUC16 is on the minus strand). VCF-style: chr19-8897609-A-G. GRCh37 (hg19) VCF-style: chr19-9008285-A-G.
Other names: c.39879T>C, p.Pro13293= (NM_001414686.1); c.39333T>C, p.Pro13111= (NM_001414687.1); c.39267T>C, p.Pro13089= (NM_024690.2).
Identifiers: ClinVar variation 3044466 (VCV003044466.2), dbSNP rs1430597548, ClinGen allele CA505285861.

ClinVar aggregate classification (germline): Benign (0 of 4 stars; one submission).

Conditions:
MUC16-related disorder. Also called: MUC16-related condition.

Allele frequency attached by ClinVar (database versions not stated): 1000 Genomes Project 30x 0.09775.

Submission:

PreventionGenetics, part of Exact Sciences
Classification: Benign for MUC16-related condition. Last evaluated: 2019-06-06. Review status: no assertion criteria provided. Collection method: clinical testing. Allele origin: germline.
Comment: This variant is classified as benign based on ACMG/AMP sequence variant interpretation guidelines (Richards et al. 2015 PMID: 25741868, with internal and published modifications).